The following is an entry in ClinVar:

ClinVar aggregate classification (germline): Uncertain significance (1 of 4 stars; one submission).

Conditions:
Inborn genetic diseases. Identifiers: MedGen C0950123, MeSH D030342.

Submission:

Ambry Genetics
Classification: Uncertain significance for Inborn genetic diseases. Last evaluated: 2026-05-14. Review status: criteria provided, single submitter. Criteria: Ambry Variant Classification Scheme 2023. Collection method: clinical testing. Allele origin: germline.
Comment: The p.G276R variant (also known as c.826G>A), located in coding exon 7 of the FANCG gene, results from a G to A substitution at nucleotide position 826. The glycine at codon 276 is replaced by arginine, an amino acid with dissimilar properties. This amino acid position is conserved. In addition, this alteration is predicted to be tolerated by in silico analysis. Based on the available evidence, the clinical significance of this variant remains unclear.

NM_004629.2(FANCG):c.826G>A (p.Gly276Arg)

Gene: FANCG (FA complementation group G; minus strand). Cytogenetic location: 9p13.3.
Variant type: single nucleotide variant.
Coding change: c.826G>A on transcript NM_004629.2 (MANE Select); coding-DNA position 826, G replaced by A.
Protein change: p.Gly276Arg; replaces glycine 276 with arginine.
Molecular consequence: missense variant.
Genome position (GRCh38, 1-based): chr9:35,076,822, C>T on the plus strand (G>A on the coding strand, the complement: FANCG is on the minus strand). VCF-style: chr9-35076822-C-T. GRCh37 (hg19) VCF-style: chr9-35076819-C-T.
Other names: short protein forms G276R.
Identifiers: ClinVar variation 4871003 (VCV004871003.1).